The following is an entry in ClinVar:

ClinVar aggregate classification (germline): Uncertain significance. Review status: criteria provided, multiple submitters, no conflicts (2 of 4 stars). 2 submissions from 2 submitters: Uncertain significance (2). Last evaluated 2024-01-29.

Allele frequency attached by ClinVar (database versions not stated): gnomAD exomes 0.00001; gnomAD 0.00002; TOPMed 0.00002.
gnomAD v4.1: 16 of 1,614,080 alleles (0.00099%); highest among the groups gnomAD compares: East Asian, 0.0045%; no homozygotes.

Submissions (2):

Labcorp Genetics (formerly Invitae), Labcorp
Classification: Uncertain significance. Last evaluated: 2024-01-29. Review status: criteria provided, single submitter. Criteria: Invitae Variant Classification Sherloc (09022015). Collection method: clinical testing. Allele origin: germline.
Comment: This sequence change replaces lysine, which is basic and polar, with arginine, which is basic and polar, at codon 818 of the NPAT protein (p.Lys818Arg). This variant is not present in population databases (gnomAD no frequency). This variant has not been reported in the literature in individuals affected with NPAT-related conditions. ClinVar contains an entry for this variant (Variation ID: 2496655). Algorithms developed to predict the effect of missense changes on protein structure and function output the following: SIFT: "Not Available"; PolyPhen-2: "Benign"; Align-GVGD: "Not Available". The arginine amino acid residue is found in multiple mammalian species, which suggests that this missense change does not adversely affect protein function. In summary, the available evidence is currently insufficient to determine the role of this variant in disease. Therefore, it has been classified as a Variant of Uncertain Significance.

Ambry Genetics
Classification: Uncertain significance. Last evaluated: 2022-11-30. Review status: criteria provided, single submitter. Criteria: Ambry Variant Classification Scheme 2023. Collection method: clinical testing. Allele origin: germline.
Comment: The p.K818R variant (also known as c.2453A>G), located in coding exon 13 of the NPAT gene, results from an A to G substitution at nucleotide position 2453. The lysine at codon 818 is replaced by arginine, an amino acid with highly similar properties. This amino acid position is conserved. In addition, this alteration is predicted to be tolerated by in silico analysis. Since supporting evidence is limited at this time, the clinical significance of this alteration remains unclear.

NM_002519.3(NPAT):c.2453A>G (p.Lys818Arg)

Gene: NPAT (nuclear protein, coactivator of histone transcription; minus strand). Cytogenetic location: 11q22.3.
Variant type: single nucleotide variant.
Coding change: c.2453A>G on transcript NM_002519.3 (MANE Select); coding-DNA position 2453, A replaced by G.
Protein change: p.Lys818Arg; replaces lysine 818 with arginine.
Molecular consequence: missense variant.
Genome position (GRCh38, 1-based): chr11:108,172,531, T>C on the plus strand (A>G on the coding strand, the complement: NPAT is on the minus strand). VCF-style: chr11-108172531-T-C. GRCh37 (hg19) VCF-style: chr11-108043258-T-C.
Other names: c.2453A>G, p.Lys818Arg (NM_001321307.1); short protein forms K818R.
Identifiers: ClinVar variation 2496655 (VCV002496655.5), dbSNP rs998140325, ClinGen allele CA228383544.